The following is an entry in ClinVar:

NM_006939.4(SOS2):c.3416T>G (p.Leu1139Arg)

Gene: SOS2 (SOS Ras/Rho guanine nucleotide exchange factor 2; minus strand). Cytogenetic location: 14q21.3.
Variant type: single nucleotide variant.
Coding change: c.3416T>G on transcript NM_006939.4 (MANE Select); coding-DNA position 3416, T replaced by G.
Protein change: p.Leu1139Arg; replaces leucine 1139 with arginine.
Molecular consequence: missense variant.
Genome position (GRCh38, 1-based): chr14:50,120,348, A>C on the plus strand (T>G on the coding strand, the complement: SOS2 is on the minus strand). VCF-style: chr14-50120348-A-C. GRCh37 (hg19) VCF-style: chr14-50587066-A-C.
Other names: c.3317T>G, p.Leu1106Arg (NM_001411020.1); short protein forms L1106R, L1139R.
Identifiers: ClinVar variation 2832544 (VCV002832544.3), dbSNP rs2502768663, ClinGen allele CA389639271.

ClinVar aggregate classification (germline): Uncertain significance (1 of 4 stars; one submission).

Conditions:
Noonan syndrome 9 (NS9). Identifiers: Orphanet 648, MedGen C4225282, MONDO:0014691, OMIM 616559.

Submission:

Labcorp Genetics (formerly Invitae), Labcorp
Classification: Uncertain significance for Noonan syndrome 9. Last evaluated: 2023-03-30. Review status: criteria provided, single submitter. Criteria: Invitae Variant Classification Sherloc (09022015). Collection method: clinical testing. Allele origin: germline.
Comment: This variant is not present in population databases (gnomAD no frequency). In summary, the available evidence is currently insufficient to determine the role of this variant in disease. Therefore, it has been classified as a Variant of Uncertain Significance. Advanced modeling of protein sequence and biophysical properties (such as structural, functional, and spatial information, amino acid conservation, physicochemical variation, residue mobility, and thermodynamic stability) performed at Invitae indicates that this missense variant is not expected to disrupt SOS2 protein function. This variant has not been reported in the literature in individuals affected with SOS2-related conditions. This sequence change replaces leucine, which is neutral and non-polar, with arginine, which is basic and polar, at codon 1139 of the SOS2 protein (p.Leu1139Arg).